The following is an entry in ClinVar:

NM_006231.4(POLE):c.4802C>A (p.Pro1601His)

Gene: POLE (DNA polymerase epsilon, catalytic subunit; minus strand). Cytogenetic location: 12q24.33.
Variant type: single nucleotide variant.
Coding change: c.4802C>A on transcript NM_006231.4 (MANE Select); coding-DNA position 4802, C replaced by A.
Protein change: p.Pro1601His; replaces proline 1601 with histidine.
Molecular consequence: missense variant.
Genome position (GRCh38, 1-based): chr12:132,642,656, G>T on the plus strand (C>A on the coding strand, the complement: POLE is on the minus strand). VCF-style: chr12-132642656-G-T. GRCh37 (hg19) VCF-style: chr12-133219242-G-T.
Other names: short protein forms P1601H.
Identifiers: ClinVar variation 3363502 (VCV003363502.1).

ClinVar aggregate classification (germline): Uncertain significance (1 of 4 stars; one submission).

Submission:

GeneDx
Classification: Uncertain significance. Last evaluated: 2023-10-24. Review status: criteria provided, single submitter. Criteria: GeneDx Variant Classification Process June 2021. Collection method: clinical testing. Allele origin: germline. Affected: yes.
Comment: Not observed at significant frequency in large population cohorts (gnomAD); In silico analysis supports that this missense variant has a deleterious effect on protein structure/function; Has not been previously published as pathogenic or benign to our knowledge